The following is an entry in ClinVar:

ClinVar aggregate classification (germline): Likely benign. Review status: criteria provided, multiple submitters, no conflicts (2 of 4 stars). 4 submissions from 4 submitters: Likely benign (3). 1 of the submissions does not count toward it. Last evaluated 2026-02-02.

Conditions:
Sulfite oxidase deficiency due to molybdenum cofactor deficiency type A. Also called: Molybdenum cofactor deficiency, complementation group A; Molybdenum Cofactor Deficiency A. Identifiers: Orphanet 308386, Orphanet 833, MedGen C1854988, MONDO:0009643, OMIM 252150.
MOCS1-related disorder. Also called: MOCS1-related condition.

Allele frequency attached by ClinVar (database versions not stated): gnomAD exomes 0.00023 and 0.00046; ExAC 0.00063; gnomAD 0.00130 and 0.00142; TOPMed 0.00140; 1000 Genomes Project 0.00160; 1000 Genomes Project 30x 0.00172; ESP Exome Variant Server 0.00200.
gnomAD v4.1: 529 of 1,613,928 alleles (0.033%); highest among the groups gnomAD compares: African/African-American, 0.42%; no homozygotes.

Submissions (4):

Labcorp Genetics (formerly Invitae), Labcorp
Classification: Likely benign for Sulfite oxidase deficiency due to molybdenum cofactor deficiency type A. Last evaluated: 2026-02-02. Review status: criteria provided, single submitter. Criteria: Invitae Variant Classification Sherloc (09022015). Collection method: clinical testing. Allele origin: germline.

Mayo Clinic Laboratories, Mayo Clinic
Classification: Likely benign. Last evaluated: 2025-03-12. Review status: criteria provided, single submitter. Criteria: ACMG Guidelines, 2015. Collection method: clinical testing. Allele origin: germline. Observed: 1 variant allele.
Comment: BS1, BP4

Illumina Laboratory Services, Illumina
Classification: Likely benign for Sulfite oxidase deficiency due to molybdenum cofactor deficiency type A. Last evaluated: 2018-01-12. Review status: criteria provided, single submitter. Criteria: ICSL Variant Classification Criteria 13 December 2019. Collection method: clinical testing. Allele origin: germline.
Comment: This variant was observed in the ICSL laboratory as part of a predisposition screen in an ostensibly healthy population. It had not been previously curated by ICSL or reported in the Human Gene Mutation Database (HGMD: prior to June 1st, 2018), and was therefore a candidate for classification through an automated scoring system. Utilizing variant allele frequency, disease prevalence and penetrance estimates, and inheritance mode, an automated score was calculated to assess if this variant is too frequent to cause the disease. Based on the score and internal cut-off values, a variant classified as likely benign is not then subjected to further curation. The score for this variant resulted in a classification of likely benign for this disease.

PreventionGenetics, part of Exact Sciences
Classification: Likely benign for MOCS1-related condition. Last evaluated: 2024-05-11. Review status: no assertion criteria provided. Collection method: clinical testing. Allele origin: germline. Not counted in ClinVar's aggregate classification.
Comment: This variant is classified as likely benign based on ACMG/AMP sequence variant interpretation guidelines (Richards et al. 2015 PMID: 25741868, with internal and published modifications).

NM_001358530.2(MOCS1):c.519T>G (p.Ser173Arg)

Gene: MOCS1 (molybdenum cofactor synthesis 1; minus strand). Cytogenetic location: 6p21.2.
Variant type: single nucleotide variant.
Coding change: c.519T>G on transcript NM_001358530.2 (MANE Select); coding-DNA position 519, T replaced by G.
Protein change: p.Ser173Arg; replaces serine 173 with arginine.
Molecular consequence: missense variant. On other transcripts: non-coding transcript variant (1).
Genome position (GRCh38, 1-based): chr6:39,916,132, A>C on the plus strand (T>G on the coding strand, the complement: MOCS1 is on the minus strand). VCF-style: chr6-39916132-A-C. GRCh37 (hg19) VCF-style: chr6-39883876-A-C.
Other names: p.Ser173Arg; c.519T>G, p.Ser173Arg (NM_001075098.4, NM_001358529.2, NM_005943.6); c.258T>G, p.Ser86Arg (NM_001358531.2, NM_001358533.2, NM_001358534.2); short protein forms S173R, S86R.
Identifiers: ClinVar variation 356664 (VCV000356664.17), dbSNP rs61732596, ClinGen allele CA3796257.